The following is an entry in ClinVar:

NM_000465.4(BARD1):c.364+5G>A

Gene: BARD1 (BRCA1 associated RING domain 1; minus strand). Cytogenetic location: 2q35.
Variant type: single nucleotide variant.
Coding change: c.364+5G>A on transcript NM_000465.4 (MANE Select); 5 bases into the intron after coding-DNA position 364, G replaced by A.
Molecular consequence: intron variant.
Genome position (GRCh38, 1-based): chr2:214,792,292, C>T on the plus strand (G>A on the coding strand, the complement: BARD1 is on the minus strand). VCF-style: chr2-214792292-C-T. GRCh37 (hg19) VCF-style: chr2-215657016-C-T.
Other names: c.158+17120G>A (NM_001282548.2); c.307+5G>A (NM_001282543.2); c.215+4769G>A (NM_001282545.2); c.364+5G>A (NM_001282549.2).
Identifiers: ClinVar variation 2733252 (VCV002733252.3), dbSNP rs2106134379, ClinGen allele CA2697550386.
Genomic context (GRCh38, chr2:214,792,292, plus strand): 5'-ATGAATATGAATTCATCAGTTTTTAACTGATGAATTTAACTAAGAGAGATAGGGATAGTT[C>T]TTACCTGACAGCTCATTGTCATGTAGCAAATTTCGAAGCTTACTACAAAGTTGAATCATG-3'

ClinVar aggregate classification (germline): Uncertain significance (1 of 4 stars; one submission).

Conditions:
Familial cancer of breast. Also called: BREAST CANCER, FAMILIAL; Hereditary breast cancer; hereditary breast carcinoma. Identifiers: Orphanet 227535, MedGen C0346153, MONDO:0016419, OMIM 114480. Disease mechanism: loss of function.

Submission:

Labcorp Genetics (formerly Invitae), Labcorp
Classification: Uncertain significance for Familial cancer of breast. Last evaluated: 2023-10-24. Review status: criteria provided, single submitter. Criteria: Invitae Variant Classification Sherloc (09022015). Collection method: clinical testing. Allele origin: germline.
Comment: This sequence change falls in intron 3 of the BARD1 gene. It does not directly change the encoded amino acid sequence of the BARD1 protein. It affects a nucleotide within the consensus splice site. This variant is not present in population databases (gnomAD no frequency). This variant has not been reported in the literature in individuals affected with BARD1-related conditions. Variants that disrupt the consensus splice site are a relatively common cause of aberrant splicing (PMID: 17576681, 9536098). Algorithms developed to predict the effect of sequence changes on RNA splicing suggest that this variant is not likely to affect RNA splicing. In summary, the available evidence is currently insufficient to determine the role of this variant in disease. Therefore, it has been classified as a Variant of Uncertain Significance.

Literature cited by the submitters: PubMed 17576681; PubMed 9536098.